The following is an entry in ClinVar:

NM_001438.4(ESRRG):c.539G>A (p.Cys180Tyr)

Gene: ESRRG (estrogen related receptor gamma; minus strand). Cytogenetic location: 1q41.
Variant type: single nucleotide variant.
Coding change: c.539G>A on transcript NM_001438.4 (MANE Select); coding-DNA position 539, G replaced by A.
Protein change: p.Cys180Tyr; replaces cysteine 180 with tyrosine.
Molecular consequence: missense variant. On other transcripts: 5 prime UTR variant (1), intron variant (2).
Genome position (GRCh38, 1-based): chr1:216,651,023, C>T on the plus strand (G>A on the coding strand, the complement: ESRRG is on the minus strand). VCF-style: chr1-216651023-C-T. GRCh37 (hg19) VCF-style: chr1-216824365-C-T.
Other names: c.470G>A, p.Cys157Tyr (NM_001134285.3, NM_001243509.2, NM_001243510.3 and 12 more transcripts); c.-17G>A (NM_001243506.2); c.554G>A, p.Cys185Tyr (NM_001243518.2); c.-164-82925G>A (NM_001243505.2); c.403+26053G>A (NM_001243507.2); short protein forms C157Y, C180Y, C185Y.
Identifiers: ClinVar variation 4530565 (VCV004530565.2).

ClinVar aggregate classification (germline): Likely pathogenic. Review status: criteria provided, single submitter (1 of 4 stars). 2 submissions from 2 submitters: Likely pathogenic (1). 1 of the submissions does not count toward it. Last evaluated 2025-11-14.

Conditions:
MOVEMENT DISORDER, CONGENITAL NONPROGRESSIVE, WITH ATAXIA AND EYE MOVEMENT ABNORMALITIES (CONMAE). Identifiers: MedGen CN382199, OMIM 621639.
Movement disorder. Also called: Movement disorders; Abnormality of movement. Identifiers: MedGen C0026650, MONDO:0005395, HP:0100022.

Submissions (2):

Institute of Human Genetics, University of Leipzig Medical Center
Classification: Likely pathogenic for Movement disorder. Last evaluated: 2025-11-14. Review status: criteria provided, single submitter. Criteria: ACMG Guidelines, 2015. Collection method: clinical testing. Allele origin: de novo. Inheritance: Autosomal dominant inheritance. Affected: yes. Observed: 1 variant allele.
Comment: Criteria applied: PS2_MOD, PS3_SUP, PM1_SUP, PM2, PP2, PP3

OMIM
Classification: Pathogenic for MOVEMENT DISORDER, CONGENITAL NONPROGRESSIVE, WITH ATAXIA AND EYE MOVEMENT ABNORMALITIES. Last evaluated: 2026-07-23. Review status: no assertion criteria provided. Collection method: literature only. Allele origin: germline. Not counted in ClinVar's aggregate classification.

Literature cited by the submitters: DOI 10.1016/j.ajhg.2025.10.015 (cited by Institute of Human Genetics, University of Leipzig Medical Center); PubMed 41265451 (cited by OMIM).